The following is an entry in ClinVar:

NM_001613.4(ACTA2):c.1120C>T (p.Arg374Cys)

Genes: ACTA2 (actin alpha 2, smooth muscle; minus strand), ACTA2-AS1 (ACTA2 antisense RNA 1; plus strand). Cytogenetic location: 10q23.31.
Variant type: single nucleotide variant.
Coding change: c.1120C>T on transcript NM_001613.4 (MANE Select); coding-DNA position 1120, C replaced by T.
Protein change: p.Arg374Cys; replaces arginine 374 with cysteine.
Molecular consequence: missense variant. On other transcripts: non-coding transcript variant (1).
Genome position (GRCh38, 1-based): chr10:88,935,237, G>A on the plus strand (C>T on the coding strand, the complement: ACTA2 is on the minus strand). VCF-style: chr10-88935237-G-A. GRCh37 (hg19) VCF-style: chr10-90694994-G-A.
Other names: c.1120C>T, p.Arg374Cys (NM_001141945.3, NM_001320855.2, NM_001406462.1 and 2 more transcripts); c.1009C>T, p.Arg337Cys (NM_001406466.1); c.991C>T, p.Arg331Cys (NM_001406467.1, NM_001406468.1, NM_001406469.1); c.928C>T, p.Arg310Cys (NM_001406471.1); short protein forms R374C, R310C, R331C, R337C.
Identifiers: ClinVar variation 921802 (VCV000921802.12), dbSNP rs757166963, ClinGen allele CA026806.
Genomic context (GRCh38, chr10:88,935,237, plus strand): 5'-ACATTCACAGTTGTGTGCTAGAGACAGAGAGGAGCAGGAAAGTGTTTTAGAAGCATTTGC[G>A]GTGGACAATGGAAGGCCCGGCTTCATCGTATTCCTGTTTGCTGATCCACATCTGCTGGAA-3'
Protein context (NP_001604.1, residues 364-377): YDEAGPSIVH[Arg374Cys]KCF

ClinVar aggregate classification (germline): Uncertain significance. Review status: criteria provided, multiple submitters, no conflicts (2 of 4 stars). 6 submissions from 6 submitters: Uncertain significance (6). Last evaluated 2025-10-03.

Conditions:
Familial thoracic aortic aneurysm and aortic dissection (TAAD). Also called: Thoracic aortic aneurysms and dissections. Identifiers: Orphanet 91387, MedGen C4707243, MONDO:0019625.
Aortic aneurysm, familial thoracic 6 (AAT6). Also called: FAMILIAL THORACIC AORTIC ANEURYSM WITH LIVEDO RETICULARIS AND IRIS FLOCCULI. Identifiers: MedGen C2673186, MONDO:0012730, OMIM 611788.

Allele frequency attached by ClinVar (database versions not stated): gnomAD exomes below 0.00001; ExAC 0.00001; gnomAD 0.00002 and 0.00003; TOPMed 0.00003.
gnomAD v4.1: 14 of 1,613,340 alleles (0.00087%); highest among the groups gnomAD compares: South Asian, 0.0044%; no homozygotes.

Submissions (6):

Ambry Genetics
Classification: Uncertain significance for Familial thoracic aortic aneurysm and aortic dissection. Last evaluated: 2025-10-03. Review status: criteria provided, single submitter. Criteria: Ambry Variant Classification Scheme 2023. Collection method: clinical testing. Allele origin: germline.
Comment: The p.R374C variant (also known as c.1120C>T), located in coding exon 8 of the ACTA2 gene, results from a C to T substitution at nucleotide position 1120. The arginine at codon 374 is replaced by cysteine, an amino acid with highly dissimilar properties. This variant was reported in individual(s) with features consistent with ACTA2-related vascular disorders (Overwater E et al. Hum Mutat, 2018 Sep;39:1173-1192). This amino acid position is highly conserved in available vertebrate species. In addition, this alteration is predicted to be deleterious by in silico analysis. Based on the available evidence, the clinical significance of this variant remains unclear.

Labcorp Genetics (formerly Invitae), Labcorp
Classification: Uncertain significance for Aortic aneurysm, familial thoracic 6. Last evaluated: 2025-01-06. Review status: criteria provided, single submitter. Criteria: Invitae Variant Classification Sherloc (09022015). Collection method: clinical testing. Allele origin: germline.
Comment: This sequence change replaces arginine, which is basic and polar, with cysteine, which is neutral and slightly polar, at codon 374 of the ACTA2 protein (p.Arg374Cys). This variant is present in population databases (rs757166963, gnomAD 0.003%). This missense change has been observed in individual(s) with clinical features of thoracic aortic aneurysms and dissections (PMID: 29907982). ClinVar contains an entry for this variant (Variation ID: 921802). Invitae Evidence Modeling of protein sequence and biophysical properties (such as structural, functional, and spatial information, amino acid conservation, physicochemical variation, residue mobility, and thermodynamic stability) has been performed for this missense variant. However, the output from this modeling did not meet the statistical confidence thresholds required to predict the impact of this variant on ACTA2 protein function. In summary, the available evidence is currently insufficient to determine the role of this variant in disease. Therefore, it has been classified as a Variant of Uncertain Significance.

Blueprint Genetics
Classification: Uncertain significance. Last evaluated: 2023-05-22. Review status: criteria provided, single submitter. Criteria: ACMG Guidelines, 2015. Collection method: clinical testing. Allele origin: germline.

Victorian Clinical Genetics Services, Murdoch Childrens Research Institute
Classification: Uncertain significance for Aortic aneurysm, familial thoracic 6. Last evaluated: 2022-02-02. Review status: criteria provided, single submitter. Criteria: ACMG Guidelines, 2015. Collection method: clinical testing. Allele origin: germline. Inheritance: Autosomal dominant inheritance. Affected: yes.
Comment: Based on the classification scheme VCGS_Germline_v1.3.4, this variant is classified as VUS-3A. Following criteria are met: 0104 - Dominant negative is a known mechanism of disease in this gene and is associated with familial thoracic aortic aneurysm 6 (MIM#611788), Moyamoya disease 5 (MIM#614042) and multisystemic smooth muscle dysfunction syndrome (MIM#613834) (PMID: 27551047, 28652363). (I) 0107 - This gene is associated with autosomal dominant disease. (I) 0200 - Variant is predicted to result in a missense amino acid change from arginine to cysteine. (I) 0251 - This variant is heterozygous. (I) 0302 - Variant is present in gnomAD (v3) <0.001 for a dominant condition (4 heterozygotes, 0 homozygotes). (SP) 0309 - An alternative amino acid change at the same position has been observed in gnomAD (v2) (1 heterozygote, 0 homozygotes). (I) 0501 - Missense variant consistently predicted to be damaging by multiple in silico tools or highly conserved with a major amino acid change. (SP) 0604 - Variant is not located in an established domain, motif, hotspot or informative constraint region. (I) 0705 - No comparable missense variants have previous evidence for pathogenicity. (I) 0808 - Previous reports of pathogenicity for this variant are conflicting. This variant has been reported once as VUS in ClinVar and also as likely pathogenic in one individual with hereditary thoracic aortic disease (PMID: 29907982). (I) 0905 - No published segregation evidence has been identified for this variant. (I) 1007 - No published functional evidence has been identified for this variant. (I) 1208 - Inheritance information for this variant is not currently available in this individual. (I) Legend: (SP) - Supporting pathogenic, (I) - Information, (SB) - Supporting benign

AiLife Diagnostics
Classification: Uncertain significance. Last evaluated: 2021-10-21. Review status: criteria provided, single submitter. Criteria: ACMG Guidelines, 2015. Collection method: clinical testing. Allele origin: germline. Affected: yes. Observed: 1 variant allele.

Color Diagnostics, LLC DBA Color Health
Classification: Uncertain significance for Familial thoracic aortic aneurysm and aortic dissection. Last evaluated: 2019-05-11. Review status: criteria provided, single submitter. Criteria: ACMG Guidelines, 2015. Collection method: clinical testing. Allele origin: germline.
Comment: This missense variant replaces arginine with cysteine at codon 374 of the ACTA2 protein. Computational prediction tools and conservation analyses suggest that this variant may have deleterious impact on the protein function. Computational splicing tools suggest that this variant may not impact RNA splicing. To our knowledge, functional assays have not been performed for this variant. This variant has been reported in an individual suspected of heritable thoracic aortic disorder (PMID: 29907982). This variant has also been identified in 1/251242 chromosomes in the general population by the Genome Aggregation Database (gnomAD). Available evidence is insufficient to determine the role of this variant in disease conclusively. Therefore, this variant is classified as a Variant of Uncertain Significance.

Literature cited by the submitters: PubMed 29907982 (cited by 4 submitters); PubMed 27551047 (cited by Victorian Clinical Genetics Services, Murdoch Childrens Research Institute); PubMed 28652363 (cited by Victorian Clinical Genetics Services, Murdoch Childrens Research Institute).